The following is an entry in ClinVar:

ClinVar aggregate classification (germline): Uncertain significance (1 of 4 stars; one submission).

Submission:

Labcorp Genetics (formerly Invitae), Labcorp
Classification: Uncertain significance. Last evaluated: 2023-03-11. Review status: criteria provided, single submitter. Criteria: Invitae Variant Classification Sherloc (09022015). Collection method: clinical testing. Allele origin: germline.
Comment: This variant is not present in population databases (gnomAD no frequency). This sequence change replaces arginine, which is basic and polar, with cysteine, which is neutral and slightly polar, at codon 241 of the KCNQ5 protein (p.Arg241Cys). In summary, the available evidence is currently insufficient to determine the role of this variant in disease. Therefore, it has been classified as a Variant of Uncertain Significance. Advanced modeling of protein sequence and biophysical properties (such as structural, functional, and spatial information, amino acid conservation, physicochemical variation, residue mobility, and thermodynamic stability) performed at Invitae indicates that this missense variant is expected to disrupt KCNQ5 protein function. This variant has not been reported in the literature in individuals affected with KCNQ5-related conditions.

NM_019842.4(KCNQ5):c.721C>T (p.Arg241Cys)

Gene: KCNQ5 (potassium voltage-gated channel subfamily Q member 5; plus strand). Cytogenetic location: 6q13.
Variant type: single nucleotide variant.
Coding change: c.721C>T on transcript NM_019842.4 (MANE Select); coding-DNA position 721, C replaced by T.
Protein change: p.Arg241Cys; replaces arginine 241 with cysteine.
Molecular consequence: missense variant.
Genome position (GRCh38, 1-based): chr6:73,077,426, C>T. VCF-style: chr6-73077426-C-T. GRCh37 (hg19) VCF-style: chr6-73787149-C-T.
Other names: c.721C>T, p.Arg241Cys (NM_001160130.2, NM_001160132.2, NM_001160133.2 and 1 more transcripts); short protein forms R241C.
Identifiers: ClinVar variation 2844979 (VCV002844979.3), dbSNP rs2533591659, ClinGen allele CA364826318.